The following is an entry in ClinVar:

NM_016955.4(SEPSECS):c.764dup (p.Tyr255Ter)

Gene: SEPSECS (Sep (O-phosphoserine) tRNA:Sec (selenocysteine) tRNA synthase; minus strand). Cytogenetic location: 4p15.2.
Variant type: Duplication.
Coding change: c.764dup on transcript NM_016955.4 (MANE Select); coding-DNA position 764, one base duplicated (A; older notation c.764dupA).
Protein change: p.Tyr255Ter; replaces tyrosine 255 with a stop codon.
Molecular consequence: nonsense.
Genome position (GRCh38, 1-based): chr4:25,152,000, T duplicated on the plus strand (A on the coding strand, the reverse complement: SEPSECS is on the minus strand). VCF-style (leftmost placement, unchanged base first): chr4-25151999-A-AT. GRCh37 (hg19) VCF-style: chr4-25153621-A-AT.
Other names: c.1019dup, p.Tyr340Ter (NM_001410714.1); short protein forms Y255*, Y340*.
Identifiers: ClinVar variation 4815894 (VCV004815894.1).
Genomic context (GRCh38, chr4:25,151,999, plus strand): 5'-TATCATTTTAAACTCTCTTACCTGCTGAATGAGATGCATACACTTTGAAGACTGCACTCC[A>AT]TAAGCATTATTAACTATATGTGGAATGTCATAATTAGCACAAATCACAGCCAGTTCTTCT-3'

ClinVar aggregate classification (germline): Likely pathogenic (1 of 4 stars; one submission).

Conditions:
Pontocerebellar hypoplasia type 2D (PCH2D). Also called: Progressive cerebello-cerebral atrophy. Identifiers: Orphanet 247198, Orphanet 2524, MedGen C3151140, MONDO:0013438, OMIM 613811.

Submission:

Natera, Inc.
Classification: Likely pathogenic for Pontocerebellar hypoplasia type 2d. Last evaluated: 2025-12-01. Review status: criteria provided, single submitter. Criteria: Natera Variant Classification Schema (03/2026). Collection method: clinical testing. Allele origin: germline.
Comment: The c.764dup variant in SEPSECS is a frameshift variant predicted to shift the reading frame and introduce a stop codon. This variant is expected to result in nonsense mediated decay, truncation, or a dysfunctional protein product. This variant is rare in the general population with a frequency below the threshold expected for the associated phenotype(s). Given the available evidence, this variant is classified as Likely Pathogenic.